The following is an entry in ClinVar:

NM_025216.3(WNT10A):c.391G>A (p.Ala131Thr)

Gene: WNT10A (Wnt family member 10A; plus strand). Cytogenetic location: 2q35.
Variant type: single nucleotide variant.
Coding change: c.391G>A on transcript NM_025216.3 (MANE Select); coding-DNA position 391, G replaced by A.
Protein change: p.Ala131Thr; replaces alanine 131 with threonine.
Molecular consequence: missense variant.
Genome position (GRCh38, 1-based): chr2:218,889,998, G>A. VCF-style: chr2-218889998-G-A. GRCh37 (hg19) VCF-style: chr2-219754720-G-A.
Other names: short protein forms A131T.
Identifiers: ClinVar variation 265292 (VCV000265292.23), dbSNP rs372993798, ClinGen allele CA2113909.

ClinVar aggregate classification (germline): Pathogenic/Likely pathogenic. Review status: criteria provided, multiple submitters, no conflicts (2 of 4 stars). 8 submissions from 8 submitters: Pathogenic (7); Likely pathogenic (1). Last evaluated 2026-05-07.

Conditions:
WNT10A-related disorder. Also called: WNT10A-related disorders; WNT10A-related condition.
Schöpf-Schulz-Passarge syndrome. Also called: ECCRINE TUMORS WITH ECTODERMAL DYSPLASIA; KERATOSIS PALMOPLANTARIS WITH CYSTIC EYELIDS, HYPODONTIA, AND HYPOTRICHOSIS; SchC6pf-Schulz-Passarge syndrome. Identifiers: Orphanet 50944, MedGen C1857069, MONDO:0009145, OMIM 224750.
Tooth agenesis, selective, 4 (STHAG4). Also called: TOOTH AGENESIS, SELECTIVE, 4, WITH OR WITHOUT ECTODERMAL DYSPLASIA; LATERAL INCISORS, ABSENCE OF; LATERAL INCISORS, PEGGED OR MISSING; SUCCEDANEOUS TEETH, AGENESIS OF. Identifiers: Orphanet 99798, MedGen C1835492, MONDO:0007881, OMIM 150400. Disease mechanism: loss of function.
Odonto-onycho-dermal dysplasia. Identifiers: Orphanet 2721, MedGen C0796093, MONDO:0009773, OMIM 257980.

Allele frequency attached by ClinVar (database versions not stated): ExAC 0.00003; gnomAD 0.00003 and 0.00004; TOPMed 0.00005; ESP Exome Variant Server 0.00015.
gnomAD v4.1: 59 of 1,612,848 alleles (0.0037%); highest among the groups gnomAD compares: Non-Finnish European, 0.0047%; no homozygotes.

Submissions (8):

PreventionGenetics, part of Exact Sciences
Classification: Pathogenic for WNT10A-related condition. Last evaluated: 2026-05-07. Review status: criteria provided, single submitter. Criteria: ACMG Guidelines, 2015. Collection method: clinical testing. Allele origin: germline.
Comment: The WNT10A c.391G>A variant is predicted to result in the amino acid substitution p.Ala131Thr. This variant has been reported in the homozygous or compound heterozygous states in individuals with Schöpf-Schulz-Passarge syndrome (Family 2, Castori et al. 2011. PubMed ID: 21143469; Tziotzios et al. 2014. PubMed ID: 24902757) and in the homozygous state in an individual with ectodermal dysplasia syndrome (Granger et al. 2012. PubMed ID: 22670871). Another missense substitution that impacts the same amino acid (p.Ala131Val) has been reported in the homozygous state in the affected members of a large family with Odonto-Onycho-Dermal Dysplasia syndrome (Nawaz et al. 2009. PubMed ID: 19471313). This variant is reported in 0.0085% of alleles in individuals of European (non-Finnish) descent in gnomAD. This variant is interpreted as pathogenic.

GeneDx
Classification: Pathogenic. Last evaluated: 2025-06-03. Review status: criteria provided, single submitter. Criteria: GeneDx Variant Classification Process June 2021. Collection method: clinical testing. Allele origin: germline. Affected: yes.
Comment: In silico analysis supports that this missense variant has a deleterious effect on protein structure/function; This variant is associated with the following publications: (PMID: 22670871, 28589954, 28976000, 29314690, 24902757, 21143469, 37162726)

Natera, Inc.
Classification: Pathogenic for Schopf-Schulz-Passarge syndrome. Last evaluated: 2025-04-14. Review status: criteria provided, single submitter. Criteria: Natera Variant Classification Schema (03/2026). Collection method: clinical testing. Allele origin: germline.
Comment: The c.391G>A variant in WNT10A is a missense variant predicted to cause substitution of alanine to threonine at amino acid 131. This variant is rare in the general population with a frequency below the threshold expected for the associated phenotype(s). This variant has been observed in one or more individuals affected with the associated recessive disease, as either homozygous or compound heterozygous with a second variant (PMID: 22670871, 21143469, 24902757). Given the available evidence, this variant is classified as Pathogenic.

Labcorp Genetics (formerly Invitae), Labcorp
Classification: Pathogenic for Tooth agenesis, selective, 4; Odonto-onycho-dermal dysplasia. Last evaluated: 2025-02-10. Review status: criteria provided, single submitter. Criteria: Invitae Variant Classification Sherloc (09022015). Collection method: clinical testing. Allele origin: germline.
Comment: This sequence change replaces alanine, which is neutral and non-polar, with threonine, which is neutral and polar, at codon 131 of the WNT10A protein (p.Ala131Thr). This variant is present in population databases (rs372993798, gnomAD 0.009%). This missense change has been observed in individuals with Schopf-Schulz-Passarge syndrome (PMID: 21143469, 22670871, 24902757). It has also been observed to segregate with disease in related individuals. ClinVar contains an entry for this variant (Variation ID: 265292). Invitae Evidence Modeling of protein sequence and biophysical properties (such as structural, functional, and spatial information, amino acid conservation, physicochemical variation, residue mobility, and thermodynamic stability) indicates that this missense variant is expected to disrupt WNT10A protein function with a positive predictive value of 80%. This variant disrupts the p.Ala131 amino acid residue in WNT10A. Other variant(s) that disrupt this residue have been observed in individuals with WNT10A-related conditions (PMID: 19471313, 21143469, 22670871, 24902757; internal data), which suggests that this may be a clinically significant amino acid residue. For these reasons, this variant has been classified as Pathogenic.

Fulgent Genetics
Classification: Pathogenic for Tooth agenesis, selective, 4; Schöpf-Schulz-Passarge syndrome; Odonto-onycho-dermal dysplasia. Last evaluated: 2024-05-14. Review status: criteria provided, single submitter. Criteria: ACMG Guidelines, 2015. Collection method: clinical testing. Allele origin: germline.

Blueprint Genetics
Classification: Pathogenic for WNT10A-related disorders. Last evaluated: 2024-01-24. Review status: criteria provided, single submitter. Criteria: ACMG Guidelines, 2015. Collection method: clinical testing. Allele origin: germline. Affected: yes. Observed: 5 variant alleles.

3billion
Classification: Pathogenic for Tooth agenesis, selective, 4. Last evaluated: 2024-01-10. Review status: criteria provided, single submitter. Criteria: ACMG Guidelines, 2015. Collection method: clinical testing. Allele origin: germline. Affected: yes.
Comment: The variant is observed at an extremely low frequency in the gnomAD v2.1.1 dataset (total allele frequency: 0.004%). Predicted Consequence/Location: Missense variant In silico tool predictions suggest damaging effect of the variant on gene or gene product [REVEL: 0.91 (>=0.6, sensitivity 0.68 and specificity 0.92); 3Cnet: 0.72 (>=0.6, sensitivity 0.72 and precision 0.9)]. Same nucleotide change resulting in same amino acid change has been previously reported as pathogenic/likely pathogenic with strong evidence (ClinVar ID: VCV000265292 /PMID: 21143469). The variant has been reported to be in trans with a pathogenic variant as either compound heterozygous or homozygous in at least one similarly affected unrelated individual (PMID: 21143469). A different missense change at the same codon (p.Ala131Val) has been reported to be associated with WNT10A related disorder (PMID: 19471313). Therefore, this variant is classified as Pathogenic according to the recommendation of ACMG/AMP guideline.

Greenwood Genetic Center Diagnostic Laboratories, Greenwood Genetic Center
Classification: Likely pathogenic for Schöpf-Schulz-Passarge syndrome; Tooth agenesis, selective, 4. Last evaluated: 2021-08-13. Review status: criteria provided, single submitter. Criteria: ACMG Guidelines, 2015. Collection method: clinical testing. Allele origin: germline. Affected: yes.
Comment: PM3_strong, PP3, PM2

Literature cited by the submitters: PubMed 22670871 (cited by Natera, Inc. and Labcorp Genetics (formerly Invitae), Labcorp); PubMed 21143469 (cited by 3 submitters); PubMed 24902757 (cited by Natera, Inc. and Labcorp Genetics (formerly Invitae), Labcorp); PubMed 19471313 (cited by Labcorp Genetics (formerly Invitae), Labcorp and 3billion).